The following is an entry in ClinVar:

ClinVar aggregate classification (germline): Conflicting classifications of pathogenicity. Review status: criteria provided, conflicting classifications (1 of 4 stars). 3 submissions from 3 submitters: Likely pathogenic (1); Uncertain significance (1). 1 of the submissions does not count toward it. Last evaluated 2023-03-09.

Conditions:
Intellectual developmental disorder with microcephaly and with or without ocular malformations or hypogonadotropic hypogonadism. Also called: Intellectual disability, autosomal dominant 27; Coffin-Siris Syndrome 9. Identifiers: Orphanet 1465, MedGen C4014528, MONDO:0014376, OMIM 615866.

Submissions (3):

SIB Swiss Institute of Bioinformatics
Classification: Likely pathogenic for Intellectual developmental disorder with microcephaly and with or without ocular malformations or hypogonadotropic hypogonadism. Last evaluated: 2023-03-09. Review status: criteria provided, single submitter. Criteria: ACMG Guidelines, 2015. Collection method: curation. Allele origin: unknown.
Comment: This variant is interpreted as likely pathogenic for Intellectual developmental disorder with microcephaly and with or without ocular malformations or hypogonadotropic hypogonadism, autosomal dominant. The following ACMG Tag(s) were applied: Absent from controls (or at extremely low frequency if recessive) in Exome Sequencing Project, 1000 Genomes Project, or Exome Aggregation Consortium (PM2); De novo paternity and maternity not confirmed (PM6); Located in a mutational hot spot and/or critical and well-established functional domain (e.g., active site of an enzyme) without benign variation (PM1); Multiple lines of computational evidence support a deleterious effect on the gene or gene product (PP3).

Labcorp Genetics (formerly Invitae), Labcorp
Classification: Uncertain significance. Last evaluated: 2019-10-24. Review status: criteria provided, single submitter. Criteria: Invitae Variant Classification Sherloc (09022015). Collection method: clinical testing. Allele origin: germline.
Comment: This sequence change replaces asparagine with aspartic acid at codon 76 of the SOX11 protein (p.Asn76Asp). The asparagine residue is highly conserved and there is a small physicochemical difference between asparagine and aspartic acid. This variant is not present in population databases (ExAC no frequency). This variant has not been reported in the literature in individuals with SOX11-related conditions. Algorithms developed to predict the effect of missense changes on protein structure and function are either unavailable or do not agree on the potential impact of this missense change (SIFT: "Deleterious"; PolyPhen-2: "Probably Damaging"; Align-GVGD: "Class C0"). In summary, the available evidence is currently insufficient to determine the role of this variant in disease. Therefore, it has been classified as a Variant of Uncertain Significance.

OMIM
Classification: Pathogenic for INTELLECTUAL DEVELOPMENTAL DISORDER WITH OCULAR MALFORMATIONS. Last evaluated: 2023-03-14. Review status: no assertion criteria provided. Collection method: literature only. Allele origin: germline. Not counted in ClinVar's aggregate classification.

Literature cited by the submitters: PubMed 35642566 (cited by SIB Swiss Institute of Bioinformatics and OMIM).

NM_003108.4(SOX11):c.226A>G (p.Asn76Asp)

Gene: SOX11 (SRY-box transcription factor 11; plus strand). Cytogenetic location: 2p25.2.
Variant type: single nucleotide variant.
Coding change: c.226A>G on transcript NM_003108.4 (MANE Select); coding-DNA position 226, A replaced by G.
Protein change: p.Asn76Asp; replaces asparagine 76 with aspartic acid.
Molecular consequence: missense variant.
Genome position (GRCh38, 1-based): chr2:5,692,947, A>G. VCF-style: chr2-5692947-A-G. GRCh37 (hg19) VCF-style: chr2-5833079-A-G.
Other names: short protein forms N76D.
Identifiers: ClinVar variation 970628 (VCV000970628.3), dbSNP rs1665660543, ClinGen allele CA345866233.